The following is an entry in ClinVar:

ClinVar aggregate classification (germline): Benign/Likely benign. Review status: criteria provided, multiple submitters, no conflicts (2 of 4 stars). 3 submissions from 3 submitters: Benign (1); Likely benign (2). Last evaluated 2024-09-06.

Conditions:
Juvenile polyposis syndrome (JPS). Identifiers: Orphanet 2929, MedGen C0345893, MONDO:0017380, OMIM 174900.
Hereditary cancer-predisposing syndrome. Also called: Neoplastic Syndromes, Hereditary; Hereditary neoplastic syndrome; Tumor predisposition; Hereditary Cancer Syndrome. Identifiers: Orphanet 140162, MedGen C0027672, MeSH D009386, MONDO:0015356.

Allele frequency attached by ClinVar (database versions not stated): gnomAD exomes 0.00001.
gnomAD v4.1: 8 of 1,614,088 alleles (0.0005%); highest among the groups gnomAD compares: Non-Finnish European, 0.00068%; no homozygotes.

Submissions (3):

Labcorp Genetics (formerly Invitae), Labcorp
Classification: Likely benign for Juvenile polyposis syndrome. Last evaluated: 2024-09-06. Review status: criteria provided, single submitter. Criteria: Invitae Variant Classification Sherloc (09022015). Collection method: clinical testing. Allele origin: germline.

Myriad Genetics, Inc.
Classification: Benign for Juvenile polyposis syndrome. Last evaluated: 2024-08-01. Review status: criteria provided, single submitter. Criteria: Myriad Autosomal Dominant, Autosomal Recessive and X-Linked Classification Criteria (2023). Collection method: clinical testing. Allele origin: unknown.
Comment: This variant is considered benign. This variant is a silent/synonymous amino acid change and it is not expected to impact splicing.

Ambry Genetics
Classification: Likely benign for Hereditary cancer-predisposing syndrome. Last evaluated: 2022-09-11. Review status: criteria provided, single submitter. Criteria: Ambry Variant Classification Scheme 2023. Collection method: clinical testing. Allele origin: germline.

NM_004329.3(BMPR1A):c.360G>T (p.Arg120=)

Gene: BMPR1A (bone morphogenetic protein receptor type 1A; plus strand). Cytogenetic location: 10q23.2.
Variant type: single nucleotide variant.
Coding change: c.360G>T on transcript NM_004329.3 (MANE Select); coding-DNA position 360, G replaced by T.
Protein change: p.Arg120=; no amino-acid change (arginine 120 retained).
Molecular consequence: synonymous variant.
Genome position (GRCh38, 1-based): chr10:86,899,820, G>T. VCF-style: chr10-86899820-G-T. GRCh37 (hg19) VCF-style: chr10-88659577-G-T.
Identifiers: ClinVar variation 529971 (VCV000529971.13), dbSNP rs1554888968, ClinGen allele CA470306488.